The following is an entry in ClinVar:

NM_020738.4(KIDINS220):c.2744G>T (p.Arg915Leu)

Gene: KIDINS220 (kinase D interacting substrate 220; minus strand). Cytogenetic location: 2p25.1.
Variant type: single nucleotide variant.
Coding change: c.2744G>T on transcript NM_020738.4 (MANE Select); coding-DNA position 2744, G replaced by T.
Protein change: p.Arg915Leu; replaces arginine 915 with leucine.
Molecular consequence: missense variant. On other transcripts: non-coding transcript variant (2).
Genome position (GRCh38, 1-based): chr2:8,776,852, C>A on the plus strand (G>T on the coding strand, the complement: KIDINS220 is on the minus strand). VCF-style: chr2-8776852-C-A. GRCh37 (hg19) VCF-style: chr2-8916982-C-A.
Other names: c.2747G>T, p.Arg916Leu (NM_001348729.2, NM_001348731.2, NM_001348734.2 and 3 more transcripts); c.2744G>T, p.Arg915Leu (NM_001348732.2, NM_001348735.2, NM_001348738.2 and 3 more transcripts); c.2618G>T, p.Arg873Leu (NM_001348736.2); c.2744G>T (NM_020738.2); short protein forms R873L, R915L, R916L.
Identifiers: ClinVar variation 1920315 (VCV001920315.8), dbSNP rs759435862, ClinGen allele CA1519886.

ClinVar aggregate classification (germline): Uncertain significance. Review status: criteria provided, single submitter (1 of 4 stars). 2 submissions from 2 submitters: Uncertain significance (1). 1 of the submissions does not count toward it. Last evaluated 2025-02-17.

Conditions:
KIDINS220-related disorder. Also called: KIDINS220-related condition.

Allele frequency attached by ClinVar (database versions not stated): ExAC 0.00002.
gnomAD v4.1: 6 of 1,613,826 alleles (0.00037%); highest among the groups gnomAD compares: Admixed American, 0.01%; no homozygotes.

Submissions (2):

Labcorp Genetics (formerly Invitae), Labcorp
Classification: Uncertain significance. Last evaluated: 2025-02-17. Review status: criteria provided, single submitter. Criteria: Invitae Variant Classification Sherloc (09022015). Collection method: clinical testing. Allele origin: germline.
Comment: This sequence change replaces arginine, which is basic and polar, with leucine, which is neutral and non-polar, at codon 915 of the KIDINS220 protein (p.Arg915Leu). This variant is present in population databases (rs759435862, gnomAD 0.01%). This variant has not been reported in the literature in individuals affected with KIDINS220-related conditions. ClinVar contains an entry for this variant (Variation ID: 1920315). An algorithm developed to predict the effect of missense changes on protein structure and function (PolyPhen-2) suggests that this variant is likely to be disruptive. In summary, the available evidence is currently insufficient to determine the role of this variant in disease. Therefore, it has been classified as a Variant of Uncertain Significance.

PreventionGenetics, part of Exact Sciences
Classification: Uncertain significance for KIDINS220-related condition. Last evaluated: 2024-01-08. Review status: no assertion criteria provided. Collection method: clinical testing. Allele origin: germline. Not counted in ClinVar's aggregate classification.
Comment: The KIDINS220 c.2744G>T variant is predicted to result in the amino acid substitution p.Arg915Leu. To our knowledge, this variant has not been reported in the literature. This variant is reported in 0.014% of alleles in individuals of Latino descent in gnomAD. At this time, the clinical significance of this variant is uncertain due to the absence of conclusive functional and genetic evidence.